The following is an entry in ClinVar:

NM_003660.4(PPFIA3):c.3430C>T (p.Pro1144Ser)

Genes: PPFIA3 (PPFI scaffold protein A3; plus strand), LOC130064904 (ATAC-STARR-seq lymphoblastoid active region 14927; plus strand). Cytogenetic location: 19q13.33.
Variant type: single nucleotide variant.
Coding change: c.3430C>T on transcript NM_003660.4 (MANE Select); coding-DNA position 3430, C replaced by T.
Protein change: p.Pro1144Ser; replaces proline 1144 with serine.
Molecular consequence: missense variant. On other transcripts: non-coding transcript variant (1).
Genome position (GRCh38, 1-based): chr19:49,149,622, C>T. VCF-style: chr19-49149622-C-T. GRCh37 (hg19) VCF-style: chr19-49652879-C-T.
Other names: short protein forms P1144S.
Identifiers: ClinVar variation 5020584 (VCV005020584.1).
Genomic context (GRCh38, chr19:49,149,622, plus strand): 5'-TTCAGCCGCTCCCCATCCTGGCGGAAGATGTTCCGGGAGAAGGACCTCCGAGGCGTAACT[C>T]CCGACTCAGCTGAGATGTTGCCCCCCAACTTTCGTTCGGCTGCAGCGGGAGCCCTGGGCT-3'
Protein context (NP_003651.1, residues 1134-1154): FREKDLRGVT[Pro1144Ser]DSAEMLPPNF

ClinVar aggregate classification (germline): Uncertain significance (1 of 4 stars; one submission).

Submission:

Dasa
Classification: Uncertain significance. Last evaluated: 2026-05-11. Review status: criteria provided, single submitter. Criteria: DASA Assertion Criteria. Collection method: clinical testing. Allele origin: germline.
Comment: NM_003660.4(PPFIA3):c.3430C>T (p.Pro1144Ser) is a missense variant that results in the substitution of proline with serine. This variant is rare in population databases. Computational prediction algorithms are consistent with a benign effect. The currently available literature and clinical evidence are not sufficient to establish a definitive association between this variant and the reported condition. Therefore, this variant is classified as a variant of uncertain significance.